The following is an entry in ClinVar:

NM_000535.7(PMS2):c.2429G>C (p.Arg810Thr)

Gene: PMS2 (PMS1 homolog 2, mismatch repair system component; minus strand). Cytogenetic location: 7p22.1.
Variant type: single nucleotide variant.
Coding change: c.2429G>C on transcript NM_000535.7 (MANE Select); coding-DNA position 2429, G replaced by C.
Protein change: p.Arg810Thr; replaces arginine 810 with threonine.
Molecular consequence: missense variant. On other transcripts: non-coding transcript variant (1).
Genome position (GRCh38, 1-based): chr7:5,977,604, C>G on the plus strand (G>C on the coding strand, the complement: PMS2 is on the minus strand). VCF-style: chr7-5977604-C-G. GRCh37 (hg19) VCF-style: chr7-6017235-C-G.
Other names: c.2024G>C, p.Arg675Thr (NM_001322003.2, NM_001322004.2, NM_001322005.2); c.2273G>C, p.Arg758Thr (NM_001322006.2); c.2111G>C, p.Arg704Thr (NM_001322007.2, NM_001322008.2); c.2057G>C, p.Arg686Thr (NM_001322009.2); c.1868G>C, p.Arg623Thr (NM_001322010.2); c.1496G>C, p.Arg499Thr (NM_001322011.2, NM_001322012.2); c.1856G>C, p.Arg619Thr (NM_001322013.2); c.2462G>C, p.Arg821Thr (NM_001322014.2); and 2 more; short protein forms R499T, R619T, R623T, R675T, R686T, R704T, R707T, R758T.
Identifiers: ClinVar variation 1059917 (VCV001059917.10), dbSNP rs535705597, ClinGen allele CA366735585.
Genomic context (GRCh38, chr7:5,977,604, plus strand): 5'-CAAGCTTGAGCAGCTGAGCTGACAGCCAGGCTTTCTTTACTTACCGACTTCCGGCAGGCT[C>G]TGGAGGCAAACATCTGCTTGACTCGGGAAGGCCGGCACATGACCCCAGGGCTGTCGCTCA-3'
Protein context (NP_000526.2, residues 800-820): PSRVKQMFAS[Arg810Thr]ACRKSVMIGT

ClinVar aggregate classification (germline): Uncertain significance. Review status: criteria provided, multiple submitters, no conflicts (2 of 4 stars). 2 submissions from 2 submitters: Uncertain significance (2). Last evaluated 2026-06-24.

Conditions:
Hereditary cancer-predisposing syndrome. Also called: Tumor predisposition; Hereditary Cancer Syndrome; Hereditary neoplastic syndrome; Neoplastic Syndromes, Hereditary. Identifiers: Orphanet 140162, MedGen C0027672, MeSH D009386, MONDO:0015356.
Hereditary nonpolyposis colorectal neoplasms. Identifiers: MedGen C0009405, MeSH D003123.

Submissions (2):

Ambry Genetics
Classification: Uncertain significance for Hereditary cancer-predisposing syndrome. Last evaluated: 2026-06-24. Review status: criteria provided, single submitter. Criteria: Ambry Variant Classification Scheme 2023. Collection method: clinical testing. Allele origin: germline.
Comment: The p.R810T variant (also known as c.2429G>C), located in coding exon 14 of the PMS2 gene, results from a G to C substitution at nucleotide position 2429. The arginine at codon 810 is replaced by threonine, an amino acid with similar properties. This amino acid position is conserved. In addition, this alteration is predicted to be deleterious by in silico analysis. Based on the available evidence, the clinical significance of this variant remains unclear.

Labcorp Genetics (formerly Invitae), Labcorp
Classification: Uncertain significance for Hereditary nonpolyposis colorectal neoplasms. Last evaluated: 2020-09-24. Review status: criteria provided, single submitter. Criteria: Invitae Variant Classification Sherloc (09022015). Collection method: clinical testing. Allele origin: germline.
Comment: In summary, the available evidence is currently insufficient to determine the role of this variant in disease. Therefore, it has been classified as a Variant of Uncertain Significance. Algorithms developed to predict the effect of missense changes on protein structure and function (SIFT, PolyPhen-2, Align-GVGD) all suggest that this variant is likely to be disruptive, but these predictions have not been confirmed by published functional studies and their clinical significance is uncertain. This sequence change replaces arginine with threonine at codon 810 of the PMS2 protein (p.Arg810Thr). The arginine residue is highly conserved and there is a moderate physicochemical difference between arginine and threonine. The frequency data for this variant in the population databases (ExAC) is considered unreliable due to the presence of homologous sequence, such as pseudogenes or paralogs, in the genome. This variant has not been reported in the literature in individuals with PMS2-related conditions.